The following is an entry in ClinVar:

NM_000093.5(COL5A1):c.4273A>G (p.Ile1425Val)

Gene: COL5A1 (collagen type V alpha 1 chain; plus strand). Cytogenetic location: 9q34.3.
Variant type: single nucleotide variant.
Coding change: c.4273A>G on transcript NM_000093.5 (MANE Select); coding-DNA position 4273, A replaced by G.
Protein change: p.Ile1425Val; replaces isoleucine 1425 with valine.
Molecular consequence: missense variant.
Genome position (GRCh38, 1-based): chr9:134,818,698, A>G. VCF-style: chr9-134818698-A-G. GRCh37 (hg19) VCF-style: chr9-137710544-A-G.
Other names: c.4273A>G, p.Ile1425Val (NM_001278074.1); short protein forms I1425V.
Identifiers: ClinVar variation 4843333 (VCV004843333.1).

ClinVar aggregate classification (germline): Uncertain significance (1 of 4 stars; one submission).

Conditions:
Familial thoracic aortic aneurysm and aortic dissection (TAAD). Also called: Thoracic aortic aneurysms and dissections. Identifiers: Orphanet 91387, MedGen C4707243, MONDO:0019625.

gnomAD v4.1: 4 of 1,609,444 alleles (0.00025%); highest among the groups gnomAD compares: Non-Finnish European, 0.00025%; no homozygotes.

Submission:

Ambry Genetics
Classification: Uncertain significance for Familial thoracic aortic aneurysm and aortic dissection. Last evaluated: 2026-03-01. Review status: criteria provided, single submitter. Criteria: Ambry Variant Classification Scheme 2023. Collection method: clinical testing. Allele origin: germline.
Comment: The p.I1425V variant (also known as c.4273A>G), located in coding exon 55 of the COL5A1 gene, results from an A to G substitution at nucleotide position 4273. The isoleucine at codon 1425 is replaced by valine, an amino acid with highly similar properties. This amino acid position is conserved. In addition, this alteration is predicted to be tolerated by in silico analysis. Based on the available evidence, the clinical significance of this variant remains unclear.